The following is an entry in ClinVar:

ClinVar aggregate classification (germline): Uncertain significance (1 of 4 stars; one submission).

gnomAD v4.1: 4 of 1,548,324 alleles (0.00026%); highest among the groups gnomAD compares: Non-Finnish European, 0.00035%; no homozygotes.

Submission:

Dasa
Classification: Uncertain significance. Last evaluated: 2026-02-23. Review status: criteria provided, single submitter. Criteria: DASA Assertion Criteria. Collection method: clinical testing. Allele origin: germline.
Comment: NM_000946.3(PRIM1):c.983-2A>G affects a canonical splice site and is predicted to disrupt normal RNA splicing. This variant is rare in population databases. The currently available literature and clinical evidence are not sufficient to establish a definitive association between this variant and the reported condition. Therefore, this variant is classified as a variant of uncertain significance.

NM_000946.3(PRIM1):c.983-2A>G

Gene: PRIM1 (DNA primase subunit 1; minus strand). Cytogenetic location: 12q13.3.
Variant type: single nucleotide variant.
Coding change: c.983-2A>G on transcript NM_000946.3 (MANE Select); the canonical splice acceptor site of the intron before coding-DNA position 983, A replaced by G.
Molecular consequence: splice acceptor variant.
Genome position (GRCh38, 1-based): chr12:56,739,365, T>C on the plus strand (A>G on the coding strand, the complement: PRIM1 is on the minus strand). VCF-style: chr12-56739365-T-C. GRCh37 (hg19) VCF-style: chr12-57133149-T-C.
Identifiers: ClinVar variation 4882779 (VCV004882779.2).